The following is an entry in ClinVar:

NM_206933.4(USH2A):c.2242C>A (p.Gln748Lys)

Gene: USH2A (usherin; minus strand). Cytogenetic location: 1q41.
Variant type: single nucleotide variant.
Coding change: c.2242C>A on transcript NM_206933.4 (MANE Select); coding-DNA position 2242, C replaced by A.
Protein change: p.Gln748Lys; replaces glutamine 748 with lysine.
Molecular consequence: missense variant.
Genome position (GRCh38, 1-based): chr1:216,247,152, G>T on the plus strand (C>A on the coding strand, the complement: USH2A is on the minus strand). VCF-style: chr1-216247152-G-T. GRCh37 (hg19) VCF-style: chr1-216420494-G-T.
Other names: c.2242C>A, p.Gln748Lys (NM_007123.6); short protein forms Q748K.
Identifiers: ClinVar variation 1441712 (VCV001441712.5), dbSNP rs897424186, ClinGen allele CA37501509.

ClinVar aggregate classification (germline): Uncertain significance (1 of 4 stars; one submission).

Allele frequency attached by ClinVar (database versions not stated): gnomAD exomes below 0.00001; TOPMed below 0.00001.
gnomAD v4.1: 3 of 1,614,036 alleles (0.00019%); highest among the groups gnomAD compares: Non-Finnish European, 0.00025%; no homozygotes.

Submission:

Labcorp Genetics (formerly Invitae), Labcorp
Classification: Uncertain significance. Last evaluated: 2022-01-13. Review status: criteria provided, single submitter. Criteria: Invitae Variant Classification Sherloc (09022015). Collection method: clinical testing. Allele origin: germline.
Comment: This sequence change replaces glutamine, which is neutral and polar, with lysine, which is basic and polar, at codon 748 of the USH2A protein (p.Gln748Lys). This variant is not present in population databases (gnomAD no frequency). This variant has not been reported in the literature in individuals affected with USH2A-related conditions. Algorithms developed to predict the effect of missense changes on protein structure and function (SIFT, PolyPhen-2, Align-GVGD) all suggest that this variant is likely to be tolerated. In summary, the available evidence is currently insufficient to determine the role of this variant in disease. Therefore, it has been classified as a Variant of Uncertain Significance.